The following is an entry in ClinVar:

NM_172070.4(UBR3):c.640A>G (p.Ile214Val)

Gene: UBR3 (ubiquitin protein ligase E3 component n-recognin 3; plus strand). Cytogenetic location: 2q31.1.
Variant type: single nucleotide variant.
Coding change: c.640A>G on transcript NM_172070.4 (MANE Select); coding-DNA position 640, A replaced by G.
Protein change: p.Ile214Val; replaces isoleucine 214 with valine.
Molecular consequence: missense variant.
Genome position (GRCh38, 1-based): chr2:169,872,330, A>G. VCF-style: chr2-169872330-A-G. GRCh37 (hg19) VCF-style: chr2-170728840-A-G.
Other names: short protein forms I214V.
Identifiers: ClinVar variation 3057486 (VCV003057486.2), dbSNP rs76768838, ClinGen allele CA1959806.

ClinVar aggregate classification (germline): Likely benign (0 of 4 stars; one submission).

Conditions:
UBR3-related disorder. Also called: UBR3-related condition.

Allele frequency attached by ClinVar (database versions not stated): TOPMed 0.00015; ExAC 0.00018; gnomAD exomes 0.00018; gnomAD 0.00021; 1000 Genomes Project 0.00120; 1000 Genomes Project 30x 0.00141.
gnomAD v4.1: 281 of 1,520,856 alleles (0.018%); highest among the groups gnomAD compares: East Asian, 0.64%; 1 homozygote.

Submission:

PreventionGenetics, part of Exact Sciences
Classification: Likely benign for UBR3-related condition. Last evaluated: 2019-04-01. Review status: no assertion criteria provided. Collection method: clinical testing. Allele origin: germline.
Comment: This variant is classified as likely benign based on ACMG/AMP sequence variant interpretation guidelines (Richards et al. 2015 PMID: 25741868, with internal and published modifications).